The following is an entry in ClinVar:

NM_000264.5(PTCH1):c.1556C>A (p.Ala519Asp)

Gene: PTCH1 (patched 1; minus strand). Cytogenetic location: 9q22.32.
Variant type: single nucleotide variant.
Coding change: c.1556C>A on transcript NM_000264.5 (MANE Select); coding-DNA position 1556, C replaced by A.
Protein change: p.Ala519Asp; replaces alanine 519 with aspartic acid.
Molecular consequence: missense variant. On other transcripts: non-coding transcript variant (1).
Genome position (GRCh38, 1-based): chr9:95,476,805, G>T on the plus strand (C>A on the coding strand, the complement: PTCH1 is on the minus strand). VCF-style: chr9-95476805-G-T. GRCh37 (hg19) VCF-style: chr9-98239087-G-T.
Other names: c.1358C>A, p.Ala453Asp (NM_001083602.3); c.1553C>A, p.Ala518Asp (NM_001083603.3); c.1103C>A, p.Ala368Asp (NM_001083604.3, NM_001083605.3, NM_001083606.3 and 1 more transcripts); c.1400C>A, p.Ala467Asp (NM_001354918.2); short protein forms A368D, A453D, A467D, A518D, A519D.
Identifiers: ClinVar variation 3230941 (VCV003230941.1), dbSNP rs2538199731, ClinGen allele CA374118248.
Genomic context (GRCh38, chr9:95,476,805, plus strand): 5'-TGTTTTTGCATTACCTCAAAAGGGATTCTTTTATTCTGTCCTGTTTCACTGAAGGCGTGG[G>T]CCAGAAGAAAAACATCATCCACACCAACACCAAGAGCGAGAAATGGCAAAACCTACAGCA-3'
Protein context (NP_000255.2, residues 509-529): GVGVDDVFLL[Ala519Asp]HAFSETGQNK

ClinVar aggregate classification (germline): Uncertain significance (1 of 4 stars; one submission).

Conditions:
Hereditary cancer-predisposing syndrome. Also called: Neoplastic Syndromes, Hereditary; Tumor predisposition; Hereditary neoplastic syndrome; Hereditary Cancer Syndrome. Identifiers: Orphanet 140162, MedGen C0027672, MeSH D009386, MONDO:0015356.

gnomAD v4.1: 1 of 1,614,050 alleles (0.000062%); highest among the groups gnomAD compares: Non-Finnish European, 0.000085%; no homozygotes.

Submission:

Ambry Genetics
Classification: Uncertain significance for Hereditary cancer-predisposing syndrome. Last evaluated: 2024-03-13. Review status: criteria provided, single submitter. Criteria: Ambry Variant Classification Scheme 2023. Collection method: clinical testing. Allele origin: germline.
Comment: The p.A519D variant (also known as c.1556C>A), located in coding exon 11 of the PTCH1 gene, results from a C to A substitution at nucleotide position 1556. The alanine at codon 519 is replaced by aspartic acid, an amino acid with dissimilar properties. This amino acid position is conserved. In addition, this alteration is predicted to be deleterious by in silico analysis. Based on the available evidence, the clinical significance of this alteration remains unclear.